The following is an entry in ClinVar:

ClinVar aggregate classification (germline): Pathogenic. Review status: criteria provided, single submitter (1 of 4 stars). 2 submissions from 1 submitter: Pathogenic (2). Last evaluated 2023-11-08.

Conditions:
Autism spectrum disorder - epilepsy - arthrogryposis syndrome (AMRS). Identifiers: Orphanet 370943, MedGen C3809910, MONDO:0014248, OMIM 615553.
Glycogen storage disease type III (GSD3). Also called: FORBES DISEASE; Cori disease. Identifiers: Orphanet 366, MedGen C0017922, MONDO:0009291, OMIM 232400.

Submissions (2):

Labcorp Genetics (formerly Invitae), Labcorp
Classification: Pathogenic for Glycogen storage disease type III. Last evaluated: 2023-11-08. Review status: criteria provided, single submitter. Criteria: Invitae Variant Classification Sherloc (09022015). Collection method: clinical testing. Allele origin: unknown.
Comment: A gross deletion of the genomic region encompassing the full coding sequence of the AGL gene has been identified. Loss-of-function variants in AGL are known to be pathogenic (PMID: 19299494). The boundaries of this event are unknown as they extend beyond the assayed region for this gene and therefore may encompass additional genes. This variant has not been reported in the literature in individuals affected with AGL-related conditions. For these reasons, this variant has been classified as Pathogenic.

Labcorp Genetics (formerly Invitae), Labcorp
Classification: Pathogenic for Autism spectrum disorder - epilepsy - arthrogryposis syndrome. Last evaluated: 2023-11-08. Review status: criteria provided, single submitter. Criteria: Invitae Variant Classification Sherloc (09022015). Collection method: clinical testing. Allele origin: unknown.
Comment: This variant is a gross deletion of the genomic region encompassing exon(s) 1-2 of the SLC35A3 gene, which includes the initiator codon. This deletion extends beyond the assayed region for this gene and therefore may encompass additional genes. It is expected to result in an absent or disrupted protein product. Loss-of-function variants in SLC35A3 are known to be pathogenic (PMID: 24031089, 28328131). This variant has not been reported in the literature in individuals affected with SLC35A3-related conditions. For these reasons, this variant has been classified as Pathogenic.

Literature cited by the submitters: PubMed 19299494; PubMed 24031089; PubMed 28328131.

NC_000001.10:g.(?_100316599)_(100459317_?)del

Genes: AGL (amylo-alpha-1,6-glucosidase and 4-alpha-glucanotransferase; plus strand), SLC35A3 (solute carrier family 35 member A3; plus strand). Cytogenetic location: 1p21.2.
Variant type: Deletion.
Identifiers: ClinVar variation 3247631 (VCV003247631.1).